The following is an entry in ClinVar:

NM_001080517.3(SETD5):c.2566C>T (p.Pro856Ser)

Gene: SETD5 (SET domain containing 5; plus strand). Cytogenetic location: 3p25.3.
Variant type: single nucleotide variant.
Coding change: c.2566C>T on transcript NM_001080517.3 (MANE Select); coding-DNA position 2566, C replaced by T.
Protein change: p.Pro856Ser; replaces proline 856 with serine.
Molecular consequence: missense variant.
Genome position (GRCh38, 1-based): chr3:9,464,514, C>T. VCF-style: chr3-9464514-C-T. GRCh37 (hg19) VCF-style: chr3-9506198-C-T.
Other names: c.2272C>T, p.Pro758Ser (NM_001292043.2, NM_001349451.2); short protein forms P758S, P856S.
Identifiers: ClinVar variation 1708728 (VCV001708728.2), dbSNP rs2125500485, ClinGen allele CA351707802.

ClinVar aggregate classification (germline): Uncertain significance (1 of 4 stars; one submission).

Allele frequency attached by ClinVar (database versions not stated): gnomAD exomes below 0.00001.
gnomAD v4.1: 4 of 1,614,000 alleles (0.00025%); highest among the groups gnomAD compares: Non-Finnish European, 0.00034%; no homozygotes.

Submission:

GeneDx
Classification: Uncertain significance. Last evaluated: 2022-04-07. Review status: criteria provided, single submitter. Criteria: GeneDx Variant Classification Process June 2021. Collection method: clinical testing. Allele origin: germline. Affected: yes.
Comment: Not observed at significant frequency in large population cohorts (gnomAD); In silico analysis supports that this missense variant has a deleterious effect on protein structure/function; Has not been previously published as pathogenic or benign to our knowledge